The following is an entry in ClinVar:

ClinVar aggregate classification (germline): Uncertain significance (1 of 4 stars; one submission).

Submission:

CeGaT Center for Human Genetics Tuebingen
Classification: Uncertain significance. Last evaluated: 2026-01-01. Review status: criteria provided, single submitter. Criteria: CeGaT Center For Human Genetics Tuebingen Variant Classification Criteria Version 2. Collection method: clinical testing. Allele origin: germline. Affected: yes. Observed: 1 variant allele.
Comment: ZFX: PM2

NM_003410.4(ZFX):c.94G>A (p.Val32Ile)

Gene: ZFX (zinc finger protein X-linked; plus strand). Cytogenetic location: Xp22.11.
Variant type: single nucleotide variant.
Coding change: c.94G>A on transcript NM_003410.4 (MANE Select); coding-DNA position 94, G replaced by A.
Protein change: p.Val32Ile; replaces valine 32 with isoleucine.
Molecular consequence: missense variant. On other transcripts: intron variant (1).
Genome position (GRCh38, 1-based): chrX:24,179,218, G>A. VCF-style: chrX-24179218-G-A. GRCh37 (hg19) VCF-style: chrX-24197335-G-A.
Other names: c.94G>A, p.Val32Ile (NM_001178084.2, NM_001178085.1, NM_001178095.2); c.211G>A, p.Val71Ile (NM_001330327.2); c.-41-28108G>A (NM_001178086.2); short protein forms V32I, V71I.
Identifiers: ClinVar variation 4822594 (VCV004822594.4).